The following is an entry in ClinVar:

ClinVar aggregate classification (germline): Pathogenic (1 of 4 stars; one submission).

Submission:

Labcorp Genetics (formerly Invitae), Labcorp
Classification: Pathogenic. Last evaluated: 2021-09-04. Review status: criteria provided, single submitter. Criteria: Invitae Variant Classification Sherloc (09022015). Collection method: clinical testing. Allele origin: germline.
Comment: This sequence change creates a premature translational stop signal (p.Phe249Hisfs*13) in the SLC4A11 gene. It is expected to result in an absent or disrupted protein product. Loss-of-function variants in SLC4A11 are known to be pathogenic (PMID: 17220209, 17679935). This variant is not present in population databases (ExAC no frequency). This variant has not been reported in the literature in individuals affected with SLC4A11-related conditions. For these reasons, this variant has been classified as Pathogenic.

Literature cited by the submitters: PubMed 17220209; PubMed 17679935.

NM_001174089.2(SLC4A11):c.696_700del (p.Phe233fs)

Gene: SLC4A11 (solute carrier family 4 member 11; minus strand). Cytogenetic location: 20p13.
Variant type: Microsatellite.
Coding change: c.696_700del on transcript NM_001174089.2 (MANE Select); coding-DNA positions 696 to 700, 5 bases deleted (GTTCG; older notation c.696_700delGTTCG).
Protein change: p.Phe233fs; shifts the reading frame from phenylalanine 233.
Molecular consequence: frameshift variant. On other transcripts: non-coding transcript variant (1).
Genome position (GRCh38, 1-based): chr20:3,233,543-3,233,547, CGAAC deleted on the plus strand (GTTCG on the coding strand, the reverse complement: SLC4A11 is on the minus strand); deleting any 5 consecutive bases within chr20:3,233,543-3,233,553 gives the same sequence; the c. name uses the placement nearest the transcript's 3' end. VCF-style (leftmost placement, unchanged base first): chr20-3233542-ACGAAC-A. GRCh37 (hg19) VCF-style: chr20-3214188-ACGAAC-A.
Other names: c.825_829del, p.Phe276fs (NM_001174090.2); c.696_700del, p.Phe233fs (NM_001363745.2); c.744_748del, p.Phe249fs (NM_032034.4); short protein forms F233fs, F249fs, F276fs.
Identifiers: ClinVar variation 1386023 (VCV001386023.6), dbSNP rs2122587910, ClinGen allele CA2580614986.